The following is an entry in ClinVar:

ClinVar aggregate classification (germline): Uncertain significance (1 of 4 stars; one submission).

Submission:

Labcorp Genetics (formerly Invitae), Labcorp
Classification: Uncertain significance. Last evaluated: 2025-12-23. Review status: criteria provided, single submitter. Criteria: Invitae Variant Classification Sherloc (09022015). Collection method: clinical testing. Allele origin: germline.
Comment: This sequence change replaces glycine, which is neutral and non-polar, with valine, which is neutral and non-polar, at codon 28 of the NTHL1 protein (p.Gly28Val). This variant is not present in population databases (gnomAD no frequency). This variant has not been reported in the literature in individuals affected with NTHL1-related conditions. An algorithm developed to predict the effect of missense changes on protein structure and function (PolyPhen-2) suggests that this variant is likely to be tolerated. In summary, the available evidence is currently insufficient to determine the role of this variant in disease. Therefore, it has been classified as a Variant of Uncertain Significance.

NM_002528.7(NTHL1):c.59G>T (p.Gly20Val)

Gene: NTHL1 (nth like DNA glycosylase 1; minus strand). Cytogenetic location: 16p13.3.
Variant type: single nucleotide variant.
Coding change: c.59G>T on transcript NM_002528.7 (MANE Select); coding-DNA position 59, G replaced by T.
Protein change: p.Gly20Val; replaces glycine 20 with valine.
Molecular consequence: missense variant. On other transcripts: 5 prime UTR variant (1).
Genome position (GRCh38, 1-based): chr16:2,047,765, C>A on the plus strand (G>T on the coding strand, the complement: NTHL1 is on the minus strand). VCF-style: chr16-2047765-C-A. GRCh37 (hg19) VCF-style: chr16-2097766-C-A.
Other names: c.59G>T, p.Gly20Val (NM_001318193.2); c.-120G>T (NM_001318194.2); short protein forms G20V.
Identifiers: ClinVar variation 4774360 (VCV004774360.1).